The following is an entry in ClinVar:

ClinVar aggregate classification (germline): Pathogenic (1 of 4 stars; one submission).

Conditions:
Hereditary spastic paraplegia 50 (SPG50). Also called: Spastic paraplegia 50, autosomal recessive. Identifiers: Orphanet 280763, MedGen C2752008, MONDO:0013048, OMIM 612936.

Allele frequency attached by ClinVar (database versions not stated): gnomAD exomes below 0.00001.

Submission:

Labcorp Genetics (formerly Invitae), Labcorp
Classification: Pathogenic for Hereditary spastic paraplegia 50. Last evaluated: 2022-03-18. Review status: criteria provided, single submitter. Criteria: Invitae Variant Classification Sherloc (09022015). Collection method: clinical testing. Allele origin: germline.
Comment: This sequence change creates a premature translational stop signal (p.Glu233*) in the AP4M1 gene. It is expected to result in an absent or disrupted protein product. Loss-of-function variants in AP4M1 are known to be pathogenic (PMID: 24700674, 25496299, 25558065). This variant is not present in population databases (gnomAD no frequency). This variant has not been reported in the literature in individuals affected with AP4M1-related conditions. Algorithms developed to predict the effect of sequence changes on RNA splicing suggest that this variant may disrupt the consensus splice site. For these reasons, this variant has been classified as Pathogenic.

Literature cited by the submitters: PubMed 24700674; PubMed 25496299; PubMed 25558065.

NM_004722.4(AP4M1):c.697G>T (p.Glu233Ter)

Gene: AP4M1 (adaptor related protein complex 4 subunit mu 1; plus strand). Cytogenetic location: 7q22.1.
Variant type: single nucleotide variant.
Coding change: c.697G>T on transcript NM_004722.4 (MANE Select); coding-DNA position 697, G replaced by T.
Protein change: p.Glu233Ter; replaces glutamic acid 233 with a stop codon.
Molecular consequence: nonsense.
Genome position (GRCh38, 1-based): chr7:100,105,068, G>T. VCF-style: chr7-100105068-G-T. GRCh37 (hg19) VCF-style: chr7-99702691-G-T.
Other names: c.718G>T, p.Glu240Ter (NM_001363671.2); short protein forms E233*, E240*.
Identifiers: ClinVar variation 2143466 (VCV002143466.4), dbSNP rs372641895, ClinGen allele CA163217948.